The following is an entry in ClinVar:

ClinVar aggregate classification (germline): Uncertain significance (1 of 4 stars; one submission).

Allele frequency attached by ClinVar (database versions not stated): gnomAD exomes below 0.00001 and 0.00002; gnomAD 0.00001; TOPMed 0.00001; ExAC 0.00002.

Submission:

Labcorp Genetics (formerly Invitae), Labcorp
Classification: Uncertain significance. Last evaluated: 2024-10-24. Review status: criteria provided, single submitter. Criteria: Invitae Variant Classification Sherloc (09022015). Collection method: clinical testing. Allele origin: germline.
Comment: This sequence change creates a premature translational stop signal (p.Glu339Alafs*6) in the KL gene. It is expected to result in an absent or disrupted protein product. However, the current clinical and genetic evidence is not sufficient to establish whether loss-of-function variants in KL cause disease. This variant is present in population databases (rs780409376, gnomAD 0.004%). This variant has not been reported in the literature in individuals affected with KL-related conditions. ClinVar contains an entry for this variant (Variation ID: 1479451). In summary, the available evidence is currently insufficient to determine the role of this variant in disease. Therefore, it has been classified as a Variant of Uncertain Significance.

NM_004795.4(KL):c.1008_1015dup (p.Glu339fs)

Gene: KL (klotho; plus strand). Cytogenetic location: 13q13.1.
Variant type: Duplication.
Coding change: c.1008_1015dup on transcript NM_004795.4 (MANE Select); coding-DNA positions 1008 to 1015, 8 bases duplicated (CTATCCCG; older notation c.1008_1015dupCTATCCCG).
Protein change: p.Glu339fs; shifts the reading frame from glutamic acid 339.
Molecular consequence: frameshift variant.
Genome position (GRCh38, 1-based): chr13:33,053,955-33,053,962, CTATCCCG duplicated. VCF-style (leftmost placement, unchanged base first): chr13-33053954-A-ACTATCCCG. GRCh37 (hg19) VCF-style: chr13-33628091-A-ACTATCCCG.
Other names: short protein forms E339fs.
Identifiers: ClinVar variation 1479451 (VCV001479451.6), dbSNP rs780409376, ClinGen allele CA6944017.